The following is an entry in ClinVar:

NM_007294.4(BRCA1):c.4228G>T (p.Glu1410Ter)

Gene: BRCA1 (BRCA1 DNA repair associated; minus strand). Cytogenetic location: 17q21.31.
Variant type: single nucleotide variant.
Coding change: c.4228G>T on transcript NM_007294.4 (MANE Select); coding-DNA position 4228, G replaced by T.
Protein change: p.Glu1410Ter; replaces glutamic acid 1410 with a stop codon.
Molecular consequence: nonsense. On other transcripts: non-coding transcript variant (1).
Genome position (GRCh38, 1-based): chr17:43,082,533, C>A on the plus strand (G>T on the coding strand, the complement: BRCA1 is on the minus strand). VCF-style: chr17-43082533-C-A. GRCh37 (hg19) VCF-style: chr17-41234550-C-A.
Other names: 4347G>T E1410X; c.4105G>T, p.Glu1369Ter (NM_001407648.1, NM_001407669.1, NM_001407677.1 and 13 more transcripts); c.4102G>T, p.Glu1368Ter (NM_001407649.1, NM_001407670.1, NM_001407671.1 and 12 more transcripts); c.4228G>T, p.Glu1410Ter (NM_001407652.1, NM_001407605.1, NM_001407616.1 and 23 more transcripts); c.4150G>T, p.Glu1384Ter (NM_001407653.1, NM_001407654.1, NM_001407655.1 and 2 more transcripts); c.4147G>T, p.Glu1383Ter (NM_001407656.1, NM_001407661.1, NM_001407662.1 and 1 more transcripts); c.4144G>T, p.Glu1382Ter (NM_001407659.1, NM_001407660.1); c.4015G>T, p.Glu1339Ter (NM_001407899.1, NM_001407907.1, NM_001407908.1 and 12 more transcripts); and 52 more; short protein forms E1410*, E307*, E1363*, E1283*, E1338*, E1361*, E1384*, E139*.
Identifiers: ClinVar variation 55146 (VCV000055146.7), dbSNP rs397509152, ClinGen allele CA002721.
Genomic context (GRCh38, chr17:43,082,533, plus strand): 5'-GGTAGCTGTTAGAAGGCTGGCTCCCATGCTGTTCTAACACAGCTTCTAGTTCAGCCATTT[C>A]CTGCTGGAGCTTTATCAGGTTATGTTGCATGGTATCCCTCTGCTTCAAAAACGATAAATG-3'

ClinVar aggregate classification (germline): Pathogenic. Review status: reviewed by expert panel (3 of 4 stars). 2 submissions from 2 submitters: Pathogenic (1). 1 of the submissions does not count toward it. Last evaluated 2016-10-18.

Conditions:
Breast-ovarian cancer, familial, susceptibility to, 1 (BROVCA1). Also called: BRCA1 Hereditary Breast and Ovarian Cancer; OVARIAN CANCER, SUSCEPTIBILITY TO. Identifiers: Orphanet 145, MedGen C2676676, MONDO:0011450, OMIM 604370. Disease mechanism: loss of function.

Submissions (2):

Evidence-based Network for the Interpretation of Germline Mutant Alleles (ENIGMA)
Classification: Pathogenic for Breast-ovarian cancer, familial, susceptibility to, 1. Last evaluated: 2016-10-18. Review status: reviewed by expert panel. Criteria: ENIGMA BRCA1/2 Classification Criteria (2015). Collection method: curation. Allele origin: germline.
Comment: Variant allele predicted to encode a truncated non-functional protein.

Consortium of Investigators of Modifiers of BRCA1/2 (CIMBA), c/o University of Cambridge
Classification: Pathogenic for Breast-ovarian cancer, familial, susceptibility to, 1. Last evaluated: 2015-10-02. Review status: criteria provided, single submitter. Criteria: CIMBA Mutation Classification guidelines May 2016. Collection method: clinical testing. Allele origin: germline. Not counted in ClinVar's aggregate classification.